The following is an entry in ClinVar:

NM_032043.3(BRIP1):c.161T>G (p.Leu54Ter)

Gene: BRIP1 (BRCA1 interacting DNA helicase 1; minus strand). Cytogenetic location: 17q23.2.
Variant type: single nucleotide variant.
Coding change: c.161T>G on transcript NM_032043.3 (MANE Select); coding-DNA position 161, T replaced by G.
Protein change: p.Leu54Ter; replaces leucine 54 with a stop codon.
Molecular consequence: nonsense.
Genome position (GRCh38, 1-based): chr17:61,859,840, A>C on the plus strand (T>G on the coding strand, the complement: BRIP1 is on the minus strand). VCF-style: chr17-61859840-A-C. GRCh37 (hg19) VCF-style: chr17-59937201-A-C.
Other names: short protein forms L54*.
Identifiers: ClinVar variation 935760 (VCV000935760.14), dbSNP rs2078949879, ClinGen allele CA400485738.

ClinVar aggregate classification (germline): Pathogenic/Likely pathogenic. Review status: criteria provided, multiple submitters, no conflicts (2 of 4 stars). 3 submissions from 3 submitters: Pathogenic (2); Likely pathogenic (1). Last evaluated 2021-09-14.

Conditions:
Hereditary cancer-predisposing syndrome. Also called: Neoplastic Syndromes, Hereditary; Tumor predisposition; Hereditary neoplastic syndrome; Hereditary Cancer Syndrome. Identifiers: Orphanet 140162, MedGen C0027672, MeSH D009386, MONDO:0015356.
Familial cancer of breast. Also called: BREAST CANCER, FAMILIAL; Hereditary breast cancer; hereditary breast carcinoma. Identifiers: Orphanet 227535, MedGen C0346153, MONDO:0016419, OMIM 114480. Disease mechanism: loss of function.
Fanconi anemia complementation group J. Also called: BRIP1-Related Fanconi Anemia. Identifiers: Orphanet 84, MedGen C1836860, MONDO:0012187, OMIM 609054.

Submissions (3):

Ambry Genetics
Classification: Pathogenic for Hereditary cancer-predisposing syndrome. Last evaluated: 2021-09-14. Review status: criteria provided, single submitter. Criteria: Ambry Variant Classification Scheme 2023. Collection method: clinical testing. Allele origin: germline.
Comment: The p.L54* pathogenic mutation (also known as c.161T>G), located in coding exon 2 of the BRIP1 gene, results from a T to G substitution at nucleotide position 161. This changes the amino acid from a leucine to a stop codon within coding exon 2. This variant is considered to be rare based on population cohorts in the Genome Aggregation Database (gnomAD). This alteration is expected to result in loss of function by premature protein truncation or nonsense-mediated mRNA decay. As such, this alteration is interpreted as a disease-causing mutation.

Labcorp Genetics (formerly Invitae), Labcorp
Classification: Pathogenic for Familial cancer of breast; Fanconi anemia complementation group J. Last evaluated: 2021-07-23. Review status: criteria provided, single submitter. Criteria: Invitae Variant Classification Sherloc (09022015). Collection method: clinical testing. Allele origin: germline.
Comment: Loss-of-function variants in BRIP1 are known to be pathogenic (PMID: 16116423, 17033622, 21964575). For these reasons, this variant has been classified as Pathogenic. This variant has not been reported in the literature in individuals with BRIP1-related conditions. This variant is not present in population databases (ExAC no frequency). This sequence change creates a premature translational stop signal (p.Leu54*) in the BRIP1 gene. It is expected to result in an absent or disrupted protein product.

Juno Genomics, Hangzhou Juno Genomics, Inc
Classification: Likely pathogenic for Familial cancer of breast. Review status: criteria provided, single submitter. Criteria: ACMG Guidelines, 2015. Collection method: clinical testing. Allele origin: germline.
Comment: Absent from controls (or at extremely low frequency if recessive) in Genome Aggregation Database.;Null variant in a gene where loss of function (LOF) is a known mechanism of disease.

Literature cited by the submitters: PubMed 16116423 (cited by Labcorp Genetics (formerly Invitae), Labcorp); PubMed 17033622 (cited by Labcorp Genetics (formerly Invitae), Labcorp); PubMed 21964575 (cited by Labcorp Genetics (formerly Invitae), Labcorp).